The following is an entry in ClinVar:

ClinVar aggregate classification (germline): Conflicting classifications of pathogenicity. Review status: criteria provided, conflicting classifications (1 of 4 stars). 9 submissions from 9 submitters: Uncertain significance (5); Likely benign (4). Last evaluated 2026-01-12.

Conditions:
Congenital myotonia, autosomal recessive form. Also called: myotonia congenita, autosomal recessive; Becker Generalized Myotonia; BECKER DISEASE. Identifiers: Orphanet 614, MedGen C0751360, MONDO:0009715, OMIM 255700.
Congenital myotonia, autosomal dominant form (THD). Also called: Myotonia congenita autosomal dominant; THOMSEN DISEASE. Identifiers: Orphanet 614, MedGen C2936781, MONDO:0008055, OMIM 160800.
Batten-Turner congenital myopathy. Also called: Congenital myotonia; Myotonia congenita. Identifiers: Orphanet 206973, MedGen C0027127, MONDO:0100468, OMIM 255300.

Allele frequency attached by ClinVar (database versions not stated): gnomAD 0.00003; ESP Exome Variant Server 0.00015; ExAC 0.00018; gnomAD exomes 0.00020; TOPMed 0.00022.
gnomAD v4.1: 229 of 1,613,790 alleles (0.014%); highest among the groups gnomAD compares: Middle Eastern, 0.74%; no homozygotes.

Submissions (9):

Women's Health and Genetics/Laboratory Corporation of America, LabCorp
Classification: Uncertain significance. Last evaluated: 2026-01-12. Review status: criteria provided, single submitter. Criteria: LabCorp Variant Classification Summary - May 2015. Collection method: clinical testing. Allele origin: germline.
Comment: Variant summary: CLCN1 c.2864A>T (p.Glu955Val) results in a non-conservative amino acid change in the encoded protein sequence. Algorithms developed to predict the effect of missense changes on protein structure and function all suggest that this variant is likely to be disruptive. The variant allele was found at a frequency of 0.0002 in 251080 control chromosomes in the gnomAD database, including 1 homozygote. This frequency is not significantly higher than estimated for disease-causing variants in CLCN1, allowing no conclusion about variant significance. c.2864A>T has been observed in at least one compound heterozygous individual affected with Congenital Myotonia, Autosomal Recessive Form (e.g. Marinakis_2024). These data do not allow any conclusion about variant significance. To our knowledge, no experimental evidence demonstrating an impact on protein function has been reported. The following publications have been ascertained in the context of this evaluation (PMID: 38855810). ClinVar contains an entry for this variant (Variation ID: 449671). Based on the evidence outlined above, the variant was classified as uncertain significance.

Labcorp Genetics (formerly Invitae), Labcorp
Classification: Uncertain significance for Congenital myotonia, autosomal recessive form; Congenital myotonia, autosomal dominant form. Last evaluated: 2025-01-06. Review status: criteria provided, single submitter. Criteria: Invitae Variant Classification Sherloc (09022015). Collection method: clinical testing. Allele origin: germline.
Comment: This sequence change replaces glutamic acid, which is acidic and polar, with valine, which is neutral and non-polar, at codon 955 of the CLCN1 protein (p.Glu955Val). This variant is present in population databases (rs150796358, gnomAD 0.03%), including at least one homozygous and/or hemizygous individual. This variant has not been reported in the literature in individuals affected with CLCN1-related conditions. ClinVar contains an entry for this variant (Variation ID: 449671). Invitae Evidence Modeling of protein sequence and biophysical properties (such as structural, functional, and spatial information, amino acid conservation, physicochemical variation, residue mobility, and thermodynamic stability) has been performed for this missense variant. However, the output from this modeling did not meet the statistical confidence thresholds required to predict the impact of this variant on CLCN1 protein function. In summary, the available evidence is currently insufficient to determine the role of this variant in disease. Therefore, it has been classified as a Variant of Uncertain Significance.

Blueprint Genetics
Classification: Likely benign. Last evaluated: 2024-08-28. Review status: criteria provided, single submitter. Criteria: ACMG Guidelines, 2015. Collection method: clinical testing. Allele origin: germline.

Laboratory of Medical Genetics, National & Kapodistrian University of Athens
Classification: Uncertain significance for Congenital myotonia, autosomal recessive form. Last evaluated: 2024-02-20. Review status: criteria provided, single submitter. Criteria: ACMG Guidelines, 2015. Collection method: clinical testing. Allele origin: germline. Affected: yes.

CeGaT Center for Human Genetics Tuebingen
Classification: Likely benign. Last evaluated: 2023-11-01. Review status: criteria provided, single submitter. Criteria: CeGaT Center For Human Genetics Tuebingen Variant Classification Criteria Version 2. Collection method: clinical testing. Allele origin: germline. Affected: yes. Observed: 2 variant alleles.
Comment: CLCN1: BS1

Revvity Omics, Revvity
Classification: Uncertain significance. Last evaluated: 2019-11-21. Review status: criteria provided, single submitter. Criteria: ACMG Guidelines, 2015. Collection method: clinical testing. Allele origin: germline.

GeneDx
Classification: Likely benign. Last evaluated: 2019-01-30. Review status: criteria provided, single submitter. Criteria: GeneDx Variant Classification Process June 2021. Collection method: clinical testing. Allele origin: germline. Affected: yes.

Athena Diagnostics
Classification: Uncertain significance. Last evaluated: 2018-08-21. Review status: criteria provided, single submitter. Criteria: Athena Diagnostics Criteria. Collection method: clinical testing. Allele origin: germline.

Illumina Laboratory Services, Illumina
Classification: Likely benign for Myotonia congenita. Last evaluated: 2018-01-13. Review status: criteria provided, single submitter. Criteria: ICSL Variant Classification Criteria 13 December 2019. Collection method: clinical testing. Allele origin: germline.
Comment: This variant was observed in the ICSL laboratory as part of a predisposition screen in an ostensibly healthy population. It had not been previously curated by ICSL or reported in the Human Gene Mutation Database (HGMD: prior to June 1st, 2018), and was therefore a candidate for classification through an automated scoring system. Utilizing variant allele frequency, disease prevalence and penetrance estimates, and inheritance mode, an automated score was calculated to assess if this variant is too frequent to cause the disease. Based on the score and internal cut-off values, a variant classified as likely benign is not then subjected to further curation. The score for this variant resulted in a classification of likely benign for this disease.

Literature cited by the submitters: PubMed 38855810 (cited by Women's Health and Genetics/Laboratory Corporation of America, LabCorp); PubMed 29373990 (cited by Women's Health and Genetics/Laboratory Corporation of America, LabCorp).

NM_000083.3(CLCN1):c.2864A>T (p.Glu955Val)

Gene: CLCN1 (chloride voltage-gated channel 1; plus strand). Cytogenetic location: 7q34.
Variant type: single nucleotide variant.
Coding change: c.2864A>T on transcript NM_000083.3 (MANE Select); coding-DNA position 2864, A replaced by T.
Protein change: p.Glu955Val; replaces glutamic acid 955 with valine.
Molecular consequence: missense variant. On other transcripts: non-coding transcript variant (1).
Genome position (GRCh38, 1-based): chr7:143,351,862, A>T. VCF-style: chr7-143351862-A-T. GRCh37 (hg19) VCF-style: chr7-143048955-A-T.
Other names: short protein forms E955V.
Identifiers: ClinVar variation 449671 (VCV000449671.49), dbSNP rs150796358, ClinGen allele CA4537805.